The following is an entry in ClinVar:

NM_000393.5(COL5A2):c.3201+14C>T

Gene: COL5A2 (collagen type V alpha 2 chain; minus strand). Cytogenetic location: 2q32.2.
Variant type: single nucleotide variant.
Coding change: c.3201+14C>T on transcript NM_000393.5 (MANE Select); 14 bases into the intron after coding-DNA position 3201, C replaced by T.
Molecular consequence: intron variant.
Genome position (GRCh38, 1-based): chr2:189,048,195, G>A on the plus strand (C>T on the coding strand, the complement: COL5A2 is on the minus strand). VCF-style: chr2-189048195-G-A. GRCh37 (hg19) VCF-style: chr2-189912921-G-A.
Identifiers: ClinVar variation 255999 (VCV000255999.16), dbSNP rs368713290, ClinGen allele CA2022077.

ClinVar aggregate classification (germline): Conflicting classifications of pathogenicity. Review status: criteria provided, conflicting classifications (1 of 4 stars). 6 submissions from 6 submitters: Uncertain significance (1); Benign (1); Likely benign (4). Last evaluated 2026-01-16.

Conditions:
Connective tissue disorder. Also called: Connective tissue disease. Identifiers: MedGen C0009782, MONDO:0003900.
Ehlers-Danlos syndrome, classic type, 1 (EDSCL1). Also called: Ehlers-Danlos syndrome, type 1; EDS I; Ehlers-Danlos Syndrome, Classic Type, COL5A1-Related; EHLERS-DANLOS SYNDROME, GRAVIS TYPE; EHLERS-DANLOS SYNDROME, SEVERE CLASSIC TYPE. Identifiers: MedGen C0268335, MONDO:0019567, OMIM 130000.

Allele frequency attached by ClinVar (database versions not stated): ExAC 0.00003; gnomAD 0.00005; TOPMed 0.00005; ESP Exome Variant Server 0.00008; gnomAD exomes 0.00010 and 0.00044.
gnomAD v4.1: 635 of 1,611,650 alleles (0.039%); highest among the groups gnomAD compares: Non-Finnish European, 0.052%; no homozygotes.

Submissions (6):

Labcorp Genetics (formerly Invitae), Labcorp
Classification: Likely benign for Ehlers-Danlos syndrome, classic type, 1. Last evaluated: 2026-01-16. Review status: criteria provided, single submitter. Criteria: Invitae Variant Classification Sherloc (09022015). Collection method: clinical testing. Allele origin: germline.

Women's Health and Genetics/Laboratory Corporation of America, LabCorp
Classification: Benign. Last evaluated: 2025-01-14. Review status: criteria provided, single submitter. Criteria: LabCorp Variant Classification Summary - May 2015. Collection method: clinical testing. Allele origin: germline.

Blueprint Genetics
Classification: Likely benign. Last evaluated: 2024-02-27. Review status: criteria provided, single submitter. Criteria: ACMG Guidelines, 2015. Collection method: clinical testing. Allele origin: germline.

GeneDx
Classification: Likely benign. Last evaluated: 2017-12-06. Review status: criteria provided, single submitter. Criteria: GeneDx Variant Classification (06012015). Collection method: clinical testing. Allele origin: germline. Affected: yes.
Comment: This variant is considered likely benign or benign based on one or more of the following criteria: it is a conservative change, it occurs at a poorly conserved position in the protein, it is predicted to be benign by multiple in silico algorithms, and/or has population frequency not consistent with disease.

Center for Human Genetics, Inc
Classification: Uncertain significance for Connective tissue disorder. Last evaluated: 2016-11-01. Review status: criteria provided, single submitter. Criteria: ACMG Guidelines, 2015. Collection method: clinical testing. Allele origin: germline. Affected: yes.

PreventionGenetics, part of Exact Sciences
Classification: Likely benign. Review status: criteria provided, single submitter. Criteria: ACMG Guidelines, 2015. Collection method: clinical testing. Allele origin: germline.